The following is an entry in ClinVar:

ClinVar aggregate classification (germline): Uncertain significance. Review status: criteria provided, multiple submitters, no conflicts (2 of 4 stars). 3 submissions from 3 submitters: Uncertain significance (3). Last evaluated 2023-02-27.

Conditions:
Inborn genetic diseases. Identifiers: MedGen C0950123, MeSH D030342.
Temtamy syndrome (TEMTYS). Also called: MENTAL RETARDATION WITH OR WITHOUT CRANIOFACIAL DYSMORPHISM, OCULAR COLOBOMA, OR ABNORMAL CORPUS CALLOSUM. Identifiers: Orphanet 1777, MedGen C1857512, MONDO:0009033, OMIM 218340.

Allele frequency attached by ClinVar (database versions not stated): TOPMed below 0.00001; gnomAD 0.00001.
gnomAD v4.1: 17 of 1,613,526 alleles (0.0011%); highest among the groups gnomAD compares: Non-Finnish European, 0.0014%; no homozygotes.

Submissions (3):

GeneDx
Classification: Uncertain significance. Last evaluated: 2023-02-27. Review status: criteria provided, single submitter. Criteria: GeneDx Variant Classification Process June 2021. Collection method: clinical testing. Allele origin: germline. Affected: yes.
Comment: Not observed at significant frequency in large population cohorts (gnomAD); In silico analysis supports that this missense variant does not alter protein structure/function; Has not been previously published as pathogenic or benign to our knowledge

Labcorp Genetics (formerly Invitae), Labcorp
Classification: Uncertain significance for Temtamy syndrome. Last evaluated: 2022-07-26. Review status: criteria provided, single submitter. Criteria: Invitae Variant Classification Sherloc (09022015). Collection method: clinical testing. Allele origin: germline.
Comment: This sequence change replaces threonine, which is neutral and polar, with asparagine, which is neutral and polar, at codon 111 of the C12orf57 protein (p.Thr111Asn). This variant is present in population databases (rs782679418, gnomAD 0.008%). This variant has not been reported in the literature in individuals affected with C12orf57-related conditions. ClinVar contains an entry for this variant (Variation ID: 1064240). Algorithms developed to predict the effect of missense changes on protein structure and function are either unavailable or do not agree on the potential impact of this missense change (SIFT: "Deleterious"; PolyPhen-2: "Probably Damaging"; Align-GVGD: "Class C0"). In summary, the available evidence is currently insufficient to determine the role of this variant in disease. Therefore, it has been classified as a Variant of Uncertain Significance.

Ambry Genetics
Classification: Uncertain significance for Inborn genetic diseases. Last evaluated: 2021-09-16. Review status: criteria provided, single submitter. Criteria: Ambry Variant Classification Scheme 2023. Collection method: clinical testing. Allele origin: germline.

NM_138425.4(C12orf57):c.332C>A (p.Thr111Asn)

Gene: C12orf57 (chromosome 12 open reading frame 57; plus strand). Cytogenetic location: 12p13.31.
Variant type: single nucleotide variant.
Coding change: c.332C>A on transcript NM_138425.4 (MANE Select); coding-DNA position 332, C replaced by A.
Protein change: p.Thr111Asn; replaces threonine 111 with asparagine.
Molecular consequence: missense variant. On other transcripts: non-coding transcript variant (1).
Genome position (GRCh38, 1-based): chr12:6,945,873, C>A. VCF-style: chr12-6945873-C-A. GRCh37 (hg19) VCF-style: chr12-7055036-C-A.
Other names: c.332C>A, p.Thr111Asn (NM_001301834.1); c.293C>A, p.Thr98Asn (NM_001301836.2); c.245C>A, p.Thr82Asn (NM_001301837.2); c.227C>A, p.Thr76Asn (NM_001301838.2); c.332C>A (NM_138425.2); short protein forms T111N, T76N, T82N, T98N.
Identifiers: ClinVar variation 1064240 (VCV001064240.7), dbSNP rs782679418, ClinGen allele CA6421357.
Genomic context (GRCh38, chr12:6,945,873, plus strand): 5'-AGGATCCTGAGATCGCCAGCCTGTCAGGCAAGCTGAAGGCGCTGTTTCTGCCGCCCATGA[C>A]CCTGCCACCCCATGGGCCTGCTGCTGGTGGCAGCGTGGCCGCCTCCTGAGAGTTGGCCCT-3'
Protein context (NP_612434.1, residues 101-121): KLKALFLPPM[Thr111Asn]LPPHGPAAGG